The following is an entry in ClinVar:

ClinVar aggregate classification (germline): Likely pathogenic (1 of 4 stars; one submission).

Submission:

CeGaT Center for Human Genetics Tuebingen
Classification: Likely pathogenic. Last evaluated: 2026-03-01. Review status: criteria provided, single submitter. Criteria: CeGaT Center For Human Genetics Tuebingen Variant Classification Criteria Version 2. Collection method: clinical testing. Allele origin: germline. Affected: yes. Observed: 1 variant allele.
Comment: CHD4: PVS1:Strong, PM2

NM_001273.5(CHD4):c.3893del (p.Val1298fs)

Genes: CHD4 (chromodomain helicase DNA binding protein 4; minus strand), CHD4-AS1 (CHD4 antisense RNA 1; plus strand). Cytogenetic location: 12p13.31.
Variant type: Deletion.
Coding change: c.3893del on transcript NM_001273.5 (MANE Select); coding-DNA position 3893, one base deleted (T; older notation c.3893delT).
Protein change: p.Val1298fs; shifts the reading frame from valine 1298.
Molecular consequence: frameshift variant. On other transcripts: non-coding transcript variant (2).
Genome position (GRCh38, 1-based): chr12:6,583,365, A deleted on the plus strand (T on the coding strand, the reverse complement: CHD4 is on the minus strand). VCF-style (leftmost placement, unchanged base first): chr12-6583364-TA-T. GRCh37 (hg19) VCF-style: chr12-6692530-TA-T.
Other names: c.3872del, p.Val1291fs (NM_001297553.2); c.3854del, p.Val1285fs (NM_001363606.2); short protein forms V1285fs, V1291fs, V1298fs.
Identifiers: ClinVar variation 4823690 (VCV004823690.4).